The following is an entry in ClinVar:

ClinVar aggregate classification (germline): Uncertain significance (1 of 4 stars; one submission).

Submission:

GeneDx
Classification: Uncertain significance. Last evaluated: 2023-12-22. Review status: criteria provided, single submitter. Criteria: GeneDx Variant Classification Process June 2021. Collection method: clinical testing. Allele origin: germline. Affected: yes.
Comment: Not observed at significant frequency in large population cohorts (gnomAD); In silico analysis supports that this missense variant has a deleterious effect on protein structure/function; Has not been previously published as pathogenic or benign to our knowledge

NM_001003694.2(BRPF1):c.647A>C (p.Asp216Ala)

Gene: BRPF1 (bromodomain and PHD finger containing 1; plus strand). Cytogenetic location: 3p25.3.
Variant type: single nucleotide variant.
Coding change: c.647A>C on transcript NM_001003694.2 (MANE Select); coding-DNA position 647, A replaced by C.
Protein change: p.Asp216Ala; replaces aspartic acid 216 with alanine.
Molecular consequence: missense variant. On other transcripts: non-coding transcript variant (1).
Genome position (GRCh38, 1-based): chr3:9,739,046, A>C. VCF-style: chr3-9739046-A-C. GRCh37 (hg19) VCF-style: chr3-9780730-A-C.
Other names: c.647A>C, p.Asp216Ala (NM_001319049.2, NM_001319050.2, NM_001410704.1 and 1 more transcripts); short protein forms D216A.
Identifiers: ClinVar variation 3370243 (VCV003370243.1).